The following is an entry in ClinVar:

ClinVar aggregate classification (germline): Conflicting classifications of pathogenicity. Review status: criteria provided, conflicting classifications (1 of 4 stars). 3 submissions from 3 submitters: Uncertain significance (1); Benign (1); Likely benign (1). Last evaluated 2026-02-25.

Conditions:
KMT2D-related disorder. Also called: KMT2D-Related Disorders.
Kabuki syndrome. Also called: NIIKAWA-KUROKI SYNDROME; Kabuki make-up syndrome. Identifiers: Orphanet 2322, MedGen C0796004, MONDO:0016512.

Allele frequency attached by ClinVar (database versions not stated): gnomAD 0.00001; ExAC 0.00002; TOPMed 0.00002; gnomAD exomes 0.00004; ESP Exome Variant Server 0.00008.
gnomAD v4.1: 60 of 1,613,914 alleles (0.0037%); highest among the groups gnomAD compares: Non-Finnish European, 0.0047%; no homozygotes.

Submissions (3):

Women's Health and Genetics/Laboratory Corporation of America, LabCorp
Classification: Likely benign. Last evaluated: 2026-02-25. Review status: criteria provided, single submitter. Criteria: LabCorp Variant Classification Summary - May 2015. Collection method: clinical testing. Allele origin: germline.
Comment: Variant summary: KMT2D c.1091A>G (p.Gln364Arg) results in a conservative amino acid change in the encoded protein sequence. Algorithms developed to predict the effect of missense changes on protein structure and function all suggest that this variant is likely to be tolerated. The variant allele was found at a frequency of 1.2e-05 in 249258 control chromosomes (gnomAD v2) and a total of 60 heterozygotes of this variant was fround in the gnomAD v4 database. The available data on variant occurrences in the general population are insufficient to allow any conclusion about variant significance. To our knowledge, no occurrence of c.1091A>G in individuals affected with KMT2D-related conditions and no experimental evidence demonstrating its impact on protein function have been reported. ClinVar contains an entry for this variant (Variation ID: 2629471). Based on the evidence outlined above, the variant was classified as likely benign.

Labcorp Genetics (formerly Invitae), Labcorp
Classification: Benign for Kabuki syndrome. Last evaluated: 2025-05-11. Review status: criteria provided, single submitter. Criteria: Invitae Variant Classification Sherloc (09022015). Collection method: clinical testing. Allele origin: germline.

PreventionGenetics, part of Exact Sciences
Classification: Uncertain significance for KMT2D-related condition. Last evaluated: 2023-05-08. Review status: criteria provided, single submitter. Criteria: ACMG Guidelines, 2015. Collection method: clinical testing. Allele origin: germline.
Comment: The KMT2D c.1091A>G variant is predicted to result in the amino acid substitution p.Gln364Arg. To our knowledge, this variant has not been reported in the literature. This variant is reported in 0.0027% of alleles in individuals of European (Non-Finnish) descent in gnomAD. At this time, the clinical significance of this variant is uncertain due to the absence of conclusive functional and genetic evidence.

NM_003482.4(KMT2D):c.1091A>G (p.Gln364Arg)

Gene: KMT2D (lysine methyltransferase 2D; minus strand). Cytogenetic location: 12q13.12.
Variant type: single nucleotide variant.
Coding change: c.1091A>G on transcript NM_003482.4 (MANE Select); coding-DNA position 1091, A replaced by G.
Protein change: p.Gln364Arg; replaces glutamine 364 with arginine.
Molecular consequence: missense variant.
Genome position (GRCh38, 1-based): chr12:49,052,936, T>C on the plus strand (A>G on the coding strand, the complement: KMT2D is on the minus strand). VCF-style: chr12-49052936-T-C. GRCh37 (hg19) VCF-style: chr12-49446719-T-C.
Other names: short protein forms Q364R.
Identifiers: ClinVar variation 2629471 (VCV002629471.5), dbSNP rs372119165, ClinGen allele CA6548581.